The following is an entry in ClinVar:

ClinVar aggregate classification (germline): Pathogenic (1 of 4 stars; one submission).

Conditions:
Dilated cardiomyopathy 1J (CMD1J). Also called: CARDIOMYOPATHY, DILATED, WITH SENSORINEURAL HEARING LOSS, AUTOSOMAL DOMINANT. Identifiers: Orphanet 217622, MedGen C1854368, MONDO:0011541, OMIM 605362.

Submission:

Labcorp Genetics (formerly Invitae), Labcorp
Classification: Pathogenic for Dilated cardiomyopathy 1J. Last evaluated: 2024-06-03. Review status: criteria provided, single submitter. Criteria: Invitae Variant Classification Sherloc (09022015). Collection method: clinical testing. Allele origin: germline.
Comment: This sequence change creates a premature translational stop signal (p.Gln5*) in the EYA4 gene. It is expected to result in an absent or disrupted protein product. Loss-of-function variants in EYA4 are known to be pathogenic (PMID: 11159937, 25781927, 25963406). This variant is not present in population databases (gnomAD no frequency). This variant has not been reported in the literature in individuals affected with EYA4-related conditions. For these reasons, this variant has been classified as Pathogenic.

Literature cited by the submitters: PubMed 11159937; PubMed 25781927; PubMed 25963406.

NM_004100.5(EYA4):c.13C>T (p.Gln5Ter)

Gene: EYA4 (EYA transcriptional coactivator and phosphatase 4; plus strand). Cytogenetic location: 6q23.2.
Variant type: single nucleotide variant.
Coding change: c.13C>T on transcript NM_004100.5 (MANE Select); coding-DNA position 13, C replaced by T.
Protein change: p.Gln5Ter; replaces glutamine 5 with a stop codon.
Molecular consequence: nonsense.
Genome position (GRCh38, 1-based): chr6:133,274,793, C>T. VCF-style: chr6-133274793-C-T. GRCh37 (hg19) VCF-style: chr6-133595931-C-T.
Other names: c.13C>T, p.Gln5Ter (NM_001301012.2, NM_001301013.2, NM_001370458.1 and 3 more transcripts); short protein forms Q5*.
Identifiers: ClinVar variation 3655361 (VCV003655361.2).